The following is an entry in ClinVar:

NM_001127671.2(LIFR):c.*5634T>C

Gene: LIFR (LIF receptor subunit alpha; minus strand). Cytogenetic location: 5p13.1.
Variant type: single nucleotide variant.
Coding change: c.*5634T>C on transcript NM_001127671.2 (MANE Select); 5634 bases downstream of the stop codon, T replaced by C.
Molecular consequence: 3 prime UTR variant.
Genome position (GRCh38, 1-based): chr5:38,475,961, A>G on the plus strand (T>C on the coding strand, the complement: LIFR is on the minus strand). VCF-style: chr5-38475961-A-G. GRCh37 (hg19) VCF-style: chr5-38476063-A-G.
Other names: c.*5634T>C (NM_001364297.2, NM_001364298.2, NM_002310.6).
Identifiers: ClinVar variation 353533 (VCV000353533.5), dbSNP rs149932478, ClinGen allele CA10624501.

ClinVar aggregate classification (germline): Benign (1 of 4 stars; one submission).

Conditions:
Stuve-Wiedemann syndrome (STWS). Also called: Stüve-Wiedemann syndrome. Identifiers: Orphanet 3206, MedGen C0796176, MONDO:0031280.

Allele frequency attached by ClinVar (database versions not stated): gnomAD exomes 0.00193; gnomAD 0.00490; 1000 Genomes Project 0.00599; 1000 Genomes Project 30x 0.00671; TOPMed 0.00810.
gnomAD v4.1: 835 of 198,050 alleles (0.42%); highest among the groups gnomAD compares: Admixed American, 4.1%; 17 homozygotes.

Submission:

Illumina Laboratory Services, Illumina
Classification: Benign for Stüve-Wiedemann syndrome 1. Last evaluated: 2018-01-12. Review status: criteria provided, single submitter. Criteria: ICSL Variant Classification Criteria 13 December 2019. Collection method: clinical testing. Allele origin: germline.
Comment: This variant was observed in the ICSL laboratory as part of a predisposition screen in an ostensibly healthy population. It had not been previously curated by ICSL or reported in the Human Gene Mutation Database (HGMD: prior to June 1st, 2018), and was therefore a candidate for classification through an automated scoring system. Utilizing variant allele frequency, disease prevalence and penetrance estimates, and inheritance mode, an automated score was calculated to assess if this variant is too frequent to cause the disease. Based on the score and internal cut-off values, a variant classified as benign is not then subjected to further curation. The score for this variant resulted in a classification of benign for this disease.